The following is an entry in ClinVar:

ClinVar aggregate classification (germline): Uncertain significance (1 of 4 stars; one submission).

Conditions:
Charcot-Marie-Tooth disease type 4. Also called: Charcot-Marie-Tooth, Type 4; Charcot-Marie-Tooth disease, type IV. Identifiers: Orphanet 64749, MedGen C4082197, MONDO:0018995.

Submission:

Labcorp Genetics (formerly Invitae), Labcorp
Classification: Uncertain significance for Charcot-Marie-Tooth disease type 4. Last evaluated: 2022-06-26. Review status: criteria provided, single submitter. Criteria: Invitae Variant Classification Sherloc (09022015). Collection method: clinical testing. Allele origin: germline.
Comment: This variant is not present in population databases (gnomAD no frequency). This variant has not been reported in the literature in individuals affected with SH3TC2-related conditions. Experimental studies and prediction algorithms are not available or were not evaluated, and the functional significance of this variant is currently unknown. In summary, the available evidence is currently insufficient to determine the role of this variant in disease. Therefore, it has been classified as a Variant of Uncertain Significance. This variant, c.322_324del, results in the deletion of 1 amino acid(s) of the SH3TC2 protein (p.Gln108del), but otherwise preserves the integrity of the reading frame.

NM_024577.4(SH3TC2):c.322_324del (p.Gln108del)

Gene: SH3TC2 (SH3 domain and tetratricopeptide repeats 2; minus strand). Cytogenetic location: 5q32.
Variant type: Deletion.
Coding change: c.322_324del on transcript NM_024577.4 (MANE Select); coding-DNA positions 322 to 324, 3 bases deleted (CAG; older notation c.322_324delCAG).
Protein change: p.Gln108del; deletes glutamine 108.
Molecular consequence: inframe deletion.
Genome position (GRCh38, 1-based): chr5:149,044,594-149,044,596, CTG deleted on the plus strand (CAG on the coding strand, the reverse complement: SH3TC2 is on the minus strand). VCF-style (leftmost placement, unchanged base first): chr5-149044593-ACTG-A. GRCh37 (hg19) VCF-style: chr5-148424156-ACTG-A.
Other names: short protein forms Q108del.
Identifiers: ClinVar variation 2011127 (VCV002011127.4), dbSNP rs2531795296, ClinGen allele CA2580073833.